The following is an entry in ClinVar:

NM_000051.4(ATM):c.5271A>G (p.Thr1757=)

Gene: ATM (ATM serine/threonine kinase; plus strand). Cytogenetic location: 11q22.3.
Variant type: single nucleotide variant.
Coding change: c.5271A>G on transcript NM_000051.4 (MANE Select); coding-DNA position 5271, A replaced by G.
Protein change: p.Thr1757=; no amino-acid change (threonine 1757 retained).
Molecular consequence: synonymous variant.
Genome position (GRCh38, 1-based): chr11:108,301,741, A>G. VCF-style: chr11-108301741-A-G. GRCh37 (hg19) VCF-style: chr11-108172468-A-G.
Other names: c.5271A>G, p.Thr1757= (NM_001351834.2).
Identifiers: ClinVar variation 453571 (VCV000453571.20), dbSNP rs1555105759, ClinGen allele CA476674803.

ClinVar aggregate classification (germline): Benign/Likely benign. Review status: criteria provided, multiple submitters, no conflicts (2 of 4 stars). 6 submissions from 6 submitters: Benign (1); Likely benign (5). Last evaluated 2026-01-19.

Conditions:
Hereditary cancer-predisposing syndrome. Also called: Neoplastic Syndromes, Hereditary; Hereditary Cancer Syndrome; Hereditary neoplastic syndrome; Tumor predisposition. Identifiers: Orphanet 140162, MedGen C0027672, MeSH D009386, MONDO:0015356.
Familial cancer of breast. Also called: hereditary breast carcinoma; Hereditary breast cancer; BREAST CANCER, FAMILIAL. Identifiers: Orphanet 227535, MedGen C0346153, MONDO:0016419, OMIM 114480. Disease mechanism: loss of function.
Ataxia-telangiectasia syndrome (AT). Also called: Ataxia-telangiectasia, complementation group D; AT, COMPLEMENTATION GROUP C; ATAXIA-TELANGIECTASIA, COMPLEMENTATION GROUP A; ATAXIA-TELANGIECTASIA, FRESNO VARIANT; Cerebello-oculocutaneous telangiectasia; Immunodeficiency with ataxia telangiectasia. Identifiers: Orphanet 100, MedGen C0004135, MONDO:0008840, OMIM 208900.

Allele frequency attached by ClinVar (database versions not stated): gnomAD exomes below 0.00001; TOPMed below 0.00001; gnomAD 0.00001.
gnomAD v4.1: 3 of 1,613,682 alleles (0.00019%); highest among the groups gnomAD compares: Non-Finnish European, 0.00025%; no homozygotes.

Submissions (6):

Labcorp Genetics (formerly Invitae), Labcorp
Classification: Likely benign for Ataxia-telangiectasia syndrome. Last evaluated: 2026-01-19. Review status: criteria provided, single submitter. Criteria: Invitae Variant Classification Sherloc (09022015). Collection method: clinical testing. Allele origin: germline.

Blueprint Genetics
Classification: Likely benign. Last evaluated: 2024-10-01. Review status: criteria provided, single submitter. Criteria: ACMG Guidelines, 2015. Collection method: clinical testing. Allele origin: germline.

Myriad Genetics, Inc.
Classification: Benign for Familial cancer of breast. Last evaluated: 2024-05-22. Review status: criteria provided, single submitter. Criteria: Myriad Autosomal Dominant, Autosomal Recessive and X-Linked Classification Criteria (2023). Collection method: clinical testing. Allele origin: unknown.
Comment: This variant is considered benign. This variant is a silent/synonymous amino acid change and it is not expected to impact splicing.

Women's Health and Genetics/Laboratory Corporation of America, LabCorp
Classification: Likely benign. Last evaluated: 2024-05-05. Review status: criteria provided, single submitter. Criteria: LabCorp Variant Classification Summary - May 2015. Collection method: clinical testing. Allele origin: germline.

Color Diagnostics, LLC DBA Color Health
Classification: Likely benign for Hereditary cancer-predisposing syndrome. Last evaluated: 2016-10-11. Review status: criteria provided, single submitter. Criteria: ACMG Guidelines, 2015. Collection method: clinical testing. Allele origin: germline.

Ambry Genetics
Classification: Likely benign for Hereditary cancer-predisposing syndrome. Last evaluated: 2016-02-22. Review status: criteria provided, single submitter. Criteria: Ambry Variant Classification Scheme 2023. Collection method: clinical testing. Allele origin: germline.